The following is an entry in ClinVar:

NM_001844.5(COL2A1):c.3589G>C (p.Gly1197Arg)

Gene: COL2A1 (collagen type II alpha 1 chain; minus strand). Cytogenetic location: 12q13.11.
Variant type: single nucleotide variant.
Coding change: c.3589G>C on transcript NM_001844.5 (MANE Select); coding-DNA position 3589, G replaced by C.
Protein change: p.Gly1197Arg; replaces glycine 1197 with arginine.
Molecular consequence: missense variant.
Genome position (GRCh38, 1-based): chr12:47,975,971, C>G on the plus strand (G>C on the coding strand, the complement: COL2A1 is on the minus strand). VCF-style: chr12-47975971-C-G. GRCh37 (hg19) VCF-style: chr12-48369754-C-G.
Other names: c.3382G>C, p.Gly1128Arg (NM_033150.3); short protein forms G1128R, G1197R.
Identifiers: ClinVar variation 1326882 (VCV001326882.10), dbSNP rs121912870, ClinGen allele CA384537268.
Genomic context (GRCh38, chr12:47,975,971, plus strand): 5'-CTCCCGGATGGTAGGGACACCTCGACAGCAGGGAAGGAGTCAGGACACTTACAGCAGGGC[C>G]GGTTTCGCCTGATCGTCCACGGGGACCAGGAGGCCCAATGGGGCCAGGGATTCCATTAGC-3'
Protein context (NP_001835.3, residues 1187-1207): PGPRGRSGET[Gly1197Arg]PAGPPGNPGP

ClinVar aggregate classification (germline): Pathogenic. Review status: criteria provided, multiple submitters, no conflicts (2 of 4 stars). 2 submissions from 2 submitters: Pathogenic (2). Last evaluated 2025-01-15.

Conditions:
Spondyloepiphyseal dysplasia congenita (SEDC). Also called: SED CONGENITA; SPONDYLOEPIPHYSEAL DYSPLASIA, CONGENITAL TYPE. Identifiers: Orphanet 94068, MedGen C2745959, MONDO:0008471, OMIM 183900.

Submissions (2):

Labcorp Genetics (formerly Invitae), Labcorp
Classification: Pathogenic. Last evaluated: 2025-01-15. Review status: criteria provided, single submitter. Criteria: Invitae Variant Classification Sherloc (09022015). Collection method: clinical testing. Allele origin: germline.
Comment: This sequence change replaces glycine, which is neutral and non-polar, with arginine, which is basic and polar, at codon 1197 of the COL2A1 protein (p.Gly1197Arg). This variant is not present in population databases (gnomAD no frequency). This missense change has been observed in individual(s) with clinical features of COL2A1-related conditions (PMID: 35052477; internal data). ClinVar contains an entry for this variant (Variation ID: 1326882). Invitae Evidence Modeling of protein sequence and biophysical properties (such as structural, functional, and spatial information, amino acid conservation, physicochemical variation, residue mobility, and thermodynamic stability) indicates that this missense variant is expected to disrupt COL2A1 protein function with a positive predictive value of 95%. This variant disrupts the triple helix domain of COL2A1. Glycine residues within the Gly-Xaa-Yaa repeats of the triple helix domain are required for the structure and stability of fibrillar collagens (PMID: 7695699, 8218237, 19344236). In COL2A1, variants affecting these glycine residues are significantly enriched in individuals with disease (PMID: 9016532, 17078022) compared to the general population (ExAC). This variant disrupts the p.Gly1197 amino acid residue in COL2A1. Other variant(s) that disrupt this residue have been observed in individuals with COL2A1-related conditions (PMID: 1905723, 25604898, 26626311; internal data), which suggests that this may be a clinically significant amino acid residue. For these reasons, this variant has been classified as Pathogenic.

Laboratory of Inherited Metabolic Diseases, Research centre for medical genetics
Classification: Pathogenic for Spondyloepiphyseal dysplasia congenita. Last evaluated: 2018-09-20. Review status: criteria provided, single submitter. Criteria: ACMG Guidelines, 2015. Collection method: clinical testing. Allele origin: de novo. Affected: yes. Observed: 1 variant allele.

Literature cited by the submitters: PubMed 35052477 (cited by Labcorp Genetics (formerly Invitae), Labcorp); PubMed 7695699 (cited by Labcorp Genetics (formerly Invitae), Labcorp); PubMed 8218237 (cited by Labcorp Genetics (formerly Invitae), Labcorp); PubMed 19344236 (cited by Labcorp Genetics (formerly Invitae), Labcorp); PubMed 9016532 (cited by Labcorp Genetics (formerly Invitae), Labcorp); PubMed 17078022 (cited by Labcorp Genetics (formerly Invitae), Labcorp); PubMed 1905723 (cited by Labcorp Genetics (formerly Invitae), Labcorp); PubMed 25604898 (cited by Labcorp Genetics (formerly Invitae), Labcorp); PubMed 26626311 (cited by Labcorp Genetics (formerly Invitae), Labcorp).